The following is an entry in ClinVar:

NC_000015.10:g.(?_25337249)_(25405506_?)del

Genes: SNHG14 (small nucleolar RNA host gene 14; plus strand), UBE3A (ubiquitin protein ligase E3A; minus strand). Cytogenetic location: 15q11.2.
Variant type: Deletion.
Other names: c.-44-?_*1888+?del (LRG_15t1).
Identifiers: ClinVar variation 241833 (VCV000241833.1).

ClinVar aggregate classification (germline): Pathogenic (1 of 4 stars; one submission).

Conditions:
Angelman syndrome (AS). Also called: HAPPY PUPPET SYNDROME. Identifiers: Orphanet 72, MedGen C0162635, MONDO:0007113, OMIM 105830. Disease mechanism: loss of function. Inheritance: imprinting disorder, AS is caused by disruption of maternally imprinted UBE3A located within the 15q11.2-q13 Angelman syndrome/Prader-Willi syndrome (AS/PWS) region..

Submission:

Labcorp Genetics (formerly Invitae), Labcorp
Classification: Pathogenic for Angelman syndrome. Last evaluated: 2016-09-11. Review status: criteria provided, single submitter. Criteria: Invitae Variant Classification Sherloc (09022015). Collection method: clinical testing. Allele origin: germline.
Comment: A gross deletion of the genomic region encompassing the full coding sequence of the UBE3A gene has been identified. The boundaries of this event are unknown as the deletion extends beyond the assayed region for this gene and therefore may encompass additional genes. Gross deletions of the genomic region encompassing the UBE3A gene been reported in individuals affected with Angelman syndrome and are known to be pathogenic (PMID: 12210318, 25099823). For these reasons, this variant has been classified as Pathogenic.